The following is an entry in ClinVar:

ClinVar aggregate classification (germline): Uncertain significance (1 of 4 stars; one submission).

gnomAD v4.1: 1 of 1,614,204 alleles (0.000062%); highest among the groups gnomAD compares: Admixed American, 0.0017%; no homozygotes.

Submission:

Labcorp Genetics (formerly Invitae), Labcorp
Classification: Uncertain significance. Last evaluated: 2024-12-12. Review status: criteria provided, single submitter. Criteria: Invitae Variant Classification Sherloc (09022015). Collection method: clinical testing. Allele origin: germline.
Comment: This sequence change replaces glycine, which is neutral and non-polar, with serine, which is neutral and polar, at codon 1052 of the FLNB protein (p.Gly1052Ser). This variant is present in population databases (no rsID available, gnomAD 0.003%). This variant has not been reported in the literature in individuals affected with FLNB-related conditions. Invitae Evidence Modeling of protein sequence and biophysical properties (such as structural, functional, and spatial information, amino acid conservation, physicochemical variation, residue mobility, and thermodynamic stability) has been performed for this missense variant. However, the output from this modeling did not meet the statistical confidence thresholds required to predict the impact of this variant on FLNB protein function. In summary, the available evidence is currently insufficient to determine the role of this variant in disease. Therefore, it has been classified as a Variant of Uncertain Significance.

NM_001457.4(FLNB):c.3154G>A (p.Gly1052Ser)

Gene: FLNB (filamin B; plus strand). Cytogenetic location: 3p14.3.
Variant type: single nucleotide variant.
Coding change: c.3154G>A on transcript NM_001457.4 (MANE Select); coding-DNA position 3154, G replaced by A.
Protein change: p.Gly1052Ser; replaces glycine 1052 with serine.
Molecular consequence: missense variant.
Genome position (GRCh38, 1-based): chr3:58,123,120, G>A. VCF-style: chr3-58123120-G-A. GRCh37 (hg19) VCF-style: chr3-58108847-G-A.
Other names: c.3154G>A, p.Gly1052Ser (NM_001164317.2, NM_001164318.2, NM_001164319.2); short protein forms G1052S.
Identifiers: ClinVar variation 3635720 (VCV003635720.2).